The following is an entry in ClinVar:

NM_007194.4(CHEK2):c.524T>A (p.Val175Glu)

Gene: CHEK2 (checkpoint kinase 2; minus strand). Cytogenetic location: 22q12.1.
Variant type: single nucleotide variant.
Coding change: c.524T>A on transcript NM_007194.4 (MANE Select); coding-DNA position 524, T replaced by A.
Protein change: p.Val175Glu; replaces valine 175 with glutamic acid.
Molecular consequence: missense variant. On other transcripts: 5 prime UTR variant (2), intron variant (1).
Genome position (GRCh38, 1-based): chr22:28,725,045, A>T on the plus strand (T>A on the coding strand, the complement: CHEK2 is on the minus strand). VCF-style: chr22-28725045-A-T. GRCh37 (hg19) VCF-style: chr22-29121033-A-T.
Other names: c.-140T>A (NM_001437942.1); c.617T>A, p.Val206Glu (NM_001438293.1, NM_001438295.1); c.653T>A, p.Val218Glu (NM_001438294.1, NM_001005735.3); c.524T>A, p.Val175Glu (NM_145862.3); c.445-122T>A (NM_001349956.3); c.-254T>A (NM_001257387.3); short protein forms V175E, V218E, V206E.
Identifiers: ClinVar variation 4728215 (VCV004728215.1).
Genomic context (GRCh38, chr22:28,725,045, plus strand): 5'-CTGCTTAGTGACAGTGCAATTTCAGAATTGTTATTCAAAGGACGGCGTTTTCCTTTCCCT[A>T]CAAGCTCTGTATTTACAAAGGTTCCATTGCCACTGTGATCTTCTATGTATGCAATGTAAG-3'
Protein context (NP_009125.1, residues 165-185): GNGTFVNTEL[Val175Glu]GKGKRRPLNN

ClinVar aggregate classification (germline): Uncertain significance (1 of 4 stars; one submission).

Conditions:
Familial cancer of breast. Also called: Hereditary breast cancer; hereditary breast carcinoma; BREAST CANCER, FAMILIAL. Identifiers: Orphanet 227535, MedGen C0346153, MONDO:0016419, OMIM 114480. Disease mechanism: loss of function.

Submission:

Labcorp Genetics (formerly Invitae), Labcorp
Classification: Uncertain significance for Familial cancer of breast. Last evaluated: 2025-10-01. Review status: criteria provided, single submitter. Criteria: Invitae Variant Classification Sherloc (09022015). Collection method: clinical testing. Allele origin: germline.
Comment: This sequence change replaces valine, which is neutral and non-polar, with glutamic acid, which is acidic and polar, at codon 175 of the CHEK2 protein (p.Val175Glu). This variant is not present in population databases (gnomAD no frequency). This variant has not been reported in the literature in individuals affected with CHEK2-related conditions. An algorithm developed to predict the effect of missense changes on protein structure and function (PolyPhen-2) suggests that this variant is likely to be disruptive. In summary, the available evidence is currently insufficient to determine the role of this variant in disease. Therefore, it has been classified as a Variant of Uncertain Significance.